The following is an entry in ClinVar:

ClinVar aggregate classification (germline): Uncertain significance (1 of 4 stars; one submission).

Conditions:
Primary ciliary dyskinesia. Also called: Ciliary dyskinesia. Identifiers: Orphanet 244, MedGen C0008780, MONDO:0016575, HP:0012265.

Allele frequency attached by ClinVar (database versions not stated): gnomAD exomes 0.00002 and 0.00004; ExAC 0.00017.
gnomAD v4.1: 31 of 1,562,326 alleles (0.002%); highest among the groups gnomAD compares: South Asian, 0.037%; no homozygotes.

Submission:

Labcorp Genetics (formerly Invitae), Labcorp
Classification: Uncertain significance for Primary ciliary dyskinesia. Last evaluated: 2022-12-06. Review status: criteria provided, single submitter. Criteria: Invitae Variant Classification Sherloc (09022015). Collection method: clinical testing. Allele origin: germline.
Comment: This sequence change falls in intron 2 of the DNAAF2 gene. It does not directly change the encoded amino acid sequence of the DNAAF2 protein. It affects a nucleotide within the consensus splice site. This variant is present in population databases (rs757313579, gnomAD 0.04%). This variant has not been reported in the literature in individuals affected with DNAAF2-related conditions. ClinVar contains an entry for this variant (Variation ID: 570282). Variants that disrupt the consensus splice site are a relatively common cause of aberrant splicing (PMID: 17576681, 9536098). Algorithms developed to predict the effect of sequence changes on RNA splicing suggest that this variant is not likely to affect RNA splicing. In summary, the available evidence is currently insufficient to determine the role of this variant in disease. Therefore, it has been classified as a Variant of Uncertain Significance.

Literature cited by the submitters: PubMed 17576681; PubMed 9536098.

NM_018139.3(DNAAF2):c.2007+5G>A

Gene: DNAAF2 (dynein axonemal assembly factor 2; minus strand). Cytogenetic location: 14q21.3.
Variant type: single nucleotide variant.
Coding change: c.2007+5G>A on transcript NM_018139.3 (MANE Select); 5 bases into the intron after coding-DNA position 2007, G replaced by A.
Molecular consequence: intron variant.
Genome position (GRCh38, 1-based): chr14:49,628,007, C>T on the plus strand (G>A on the coding strand, the complement: DNAAF2 is on the minus strand). VCF-style: chr14-49628007-C-T. GRCh37 (hg19) VCF-style: chr14-50094725-C-T.
Other names: c.1864-1959G>A (NM_001083908.2); c.-204-1959G>A (NM_001378453.1).
Identifiers: ClinVar variation 570282 (VCV000570282.7), dbSNP rs757313579, ClinGen allele CA7172779.